The following is an entry in ClinVar:

NM_000489.6(ATRX):c.4214+4T>G

Gene: ATRX (ATRX chromatin remodeler; minus strand). Cytogenetic location: Xq21.1.
Variant type: single nucleotide variant.
Coding change: c.4214+4T>G on transcript NM_000489.6 (MANE Select); 4 bases into the intron after coding-DNA position 4214, T replaced by G.
Molecular consequence: intron variant.
Genome position (GRCh38, 1-based): chrX:77,656,556, A>C on the plus strand (T>G on the coding strand, the complement: ATRX is on the minus strand). VCF-style: chrX-77656556-A-C. GRCh37 (hg19) VCF-style: chrX-76912046-A-C.
Other names: c.4100+4T>G (NM_138270.5).
Identifiers: ClinVar variation 1490115 (VCV001490115.6), dbSNP rs2148460567, ClinGen allele CA2573159540.

ClinVar aggregate classification (germline): Uncertain significance (1 of 4 stars; one submission).

Conditions:
Alpha thalassemia-X-linked intellectual disability syndrome (ATRX). Also called: X-linked alpha-thalassemia-mental retardation syndrome; ALPHA-THALASSEMIA/IMPAIRED INTELLECTUAL DEVELOPMENT SYNDROME, X-LINKED; ALPHA-THALASSEMIA/MENTAL RETARDATION SYNDROME, X-LINKED; ATR, NONDELETION TYPE; ATR-X syndrome; Alpha thalassemia mental retardation syndrome, nondeletion type, X-linked. Identifiers: Orphanet 847, MedGen C1845055, MONDO:0010519, OMIM 301040.

Submission:

Labcorp Genetics (formerly Invitae), Labcorp
Classification: Uncertain significance for Alpha thalassemia-X-linked intellectual disability syndrome. Last evaluated: 2021-01-11. Review status: criteria provided, single submitter. Criteria: Invitae Variant Classification Sherloc (09022015). Collection method: clinical testing. Allele origin: germline.
Comment: In summary, the available evidence is currently insufficient to determine the role of this variant in disease. Therefore, it has been classified as a Variant of Uncertain Significance. Nucleotide substitutions within the consensus splice site are a relatively common cause of aberrant splicing (PMID: 17576681, 9536098). Algorithms developed to predict the effect of sequence changes on RNA splicing suggest that this variant may disrupt the consensus splice site, but this prediction has not been confirmed by published transcriptional studies. This variant has not been reported in the literature in individuals with ATRX-related conditions. This variant is not present in population databases (ExAC no frequency). This sequence change falls in intron 13 of the ATRX gene. It does not directly change the encoded amino acid sequence of the ATRX protein. It affects a nucleotide within the consensus splice site of the intron.

Literature cited by the submitters: PubMed 17576681; PubMed 9536098.